The following is an entry in ClinVar:

NM_020884.7(MYH7B):c.807T>G (p.Tyr269Ter)

Gene: MYH7B (myosin heavy chain 7B; plus strand). Cytogenetic location: 20q11.22.
Variant type: single nucleotide variant.
Coding change: c.807T>G on transcript NM_020884.7 (MANE Select); coding-DNA position 807, T replaced by G.
Protein change: p.Tyr269Ter; replaces tyrosine 269 with a stop codon.
Molecular consequence: nonsense.
Genome position (GRCh38, 1-based): chr20:34,986,101, T>G. VCF-style: chr20-34986101-T-G. GRCh37 (hg19) VCF-style: chr20-33573904-T-G.
Other names: short protein forms Y269*.
Identifiers: ClinVar variation 4293316 (VCV004293316.1).

ClinVar aggregate classification (germline): Uncertain significance (1 of 4 stars; one submission).

Conditions:
MYH7B-related disorder. Also called: MYH7B-related condition.

Submission:

3billion
Classification: Uncertain significance for MYH7B-related disorder. Last evaluated: 2025-01-23. Review status: criteria provided, single submitter. Criteria: ACMG Guidelines, 2015. Collection method: clinical testing. Allele origin: germline. Affected: yes.
Comment: The variant is not observed in the gnomAD v4.1.0 dataset. Predicted Consequence/Location: Stop-gained (nonsense): predicted to result in a loss or disruption of normal protein function through nonsense-mediated decay (NMD) or protein truncation. Multiple pathogenic variants are reported downstream of the variant. Therefore, this variant is classified as VUS according to the recommendation of ACMG/AMP guideline.